The following is an entry in ClinVar:

ClinVar aggregate classification (germline): Uncertain significance. Review status: criteria provided, multiple submitters, no conflicts (2 of 4 stars). 4 submissions from 3 submitters: Uncertain significance (4). Last evaluated 2023-04-11.

Conditions:
Hereditary spastic paraplegia 63. Also called: Spastic paraplegia 63, autosomal recessive. Identifiers: Orphanet 401805, MedGen C3810295, MONDO:0014305, OMIM 615686.
Pontocerebellar hypoplasia type 9. Identifiers: Orphanet 369920, MedGen C4014354, MONDO:0014351, OMIM 615809.
Inborn genetic diseases. Identifiers: MedGen C0950123, MeSH D030342.

Allele frequency attached by ClinVar (database versions not stated): ExAC 0.00008.

Submissions (4):

Genome-Nilou Lab
Classification: Uncertain significance for Hereditary spastic paraplegia 63. Last evaluated: 2023-04-11. Review status: criteria provided, single submitter. Criteria: ACMG Guidelines, 2015. Collection method: clinical testing. Allele origin: germline. Affected: no.

Genome-Nilou Lab
Classification: Uncertain significance for Pontocerebellar hypoplasia type 9. Last evaluated: 2023-04-11. Review status: criteria provided, single submitter. Criteria: ACMG Guidelines, 2015. Collection method: clinical testing. Allele origin: germline. Affected: no.

Labcorp Genetics (formerly Invitae), Labcorp
Classification: Uncertain significance for Pontocerebellar hypoplasia type 9; Hereditary spastic paraplegia 63. Last evaluated: 2022-06-22. Review status: criteria provided, single submitter. Criteria: Invitae Variant Classification Sherloc (09022015). Collection method: clinical testing. Allele origin: germline.
Comment: Algorithms developed to predict the effect of missense changes on protein structure and function are either unavailable or do not agree on the potential impact of this missense change (SIFT: "Deleterious"; PolyPhen-2: "Probably Damaging"; Align-GVGD: "Class C0"). In summary, the available evidence is currently insufficient to determine the role of this variant in disease. Therefore, it has been classified as a Variant of Uncertain Significance. This variant has not been reported in the literature in individuals affected with AMPD2-related conditions. This variant is present in population databases (rs754051380, gnomAD 0.03%). This sequence change replaces valine, which is neutral and non-polar, with methionine, which is neutral and non-polar, at codon 563 of the AMPD2 protein (p.Val563Met).

Ambry Genetics
Classification: Uncertain significance for Inborn genetic diseases. Last evaluated: 2021-05-24. Review status: criteria provided, single submitter. Criteria: Ambry Variant Classification Scheme 2023. Collection method: clinical testing. Allele origin: germline.

NM_001368809.2(AMPD2):c.1525G>A (p.Val509Met)

Genes: AMPD2 (adenosine monophosphate deaminase 2; plus strand), LOC126805822 (BRD4-independent group 4 enhancer GRCh37_chr1:110170748-110171947; plus strand). Cytogenetic location: 1p13.3.
Variant type: single nucleotide variant.
Coding change: c.1525G>A on transcript NM_001368809.2 (MANE Select); coding-DNA position 1525, G replaced by A.
Protein change: p.Val509Met; replaces valine 509 with methionine.
Molecular consequence: missense variant.
Genome position (GRCh38, 1-based): chr1:109,628,760, G>A. VCF-style: chr1-109628760-G-A. GRCh37 (hg19) VCF-style: chr1-110171382-G-A.
Other names: c.1687G>A, p.Val563Met (NM_001257360.2); c.1333G>A, p.Val445Met (NM_001257361.2); c.1462G>A, p.Val488Met (NM_001308170.1); c.1525G>A, p.Val509Met (NM_004037.9); c.1444G>A, p.Val482Met (NM_139156.4); short protein forms V488M, V482M, V445M, V509M, V563M.
Identifiers: ClinVar variation 1938758 (VCV001938758.7), dbSNP rs754051380, ClinGen allele CA993128.